The following is an entry in ClinVar:

NM_004655.4(AXIN2):c.956+19C>A

Gene: AXIN2 (axin 2; minus strand). Cytogenetic location: 17q24.1.
Variant type: single nucleotide variant.
Coding change: c.956+19C>A on transcript NM_004655.4 (MANE Select); 19 bases into the intron after coding-DNA position 956, C replaced by A.
Molecular consequence: intron variant.
Genome position (GRCh38, 1-based): chr17:65,549,501, G>T on the plus strand (C>A on the coding strand, the complement: AXIN2 is on the minus strand). VCF-style: chr17-65549501-G-T. GRCh37 (hg19) VCF-style: chr17-63545619-G-T.
Other names: c.956+19C>A (LRG_296t1, NM_001363813.1).
Identifiers: ClinVar variation 381932 (VCV000381932.11), dbSNP rs535151259, ClinGen allele CA8718928.
Genomic context (GRCh38, chr17:65,549,501, plus strand): 5'-ATGACAGACGATTCTGGCTAAGTGCTCAGGTGGCATCCACTCCCAAGCAAGCCCACGGAA[G>T]GGTGGCCAGGATACTCACACACTGCTGTCCGTCATGGACATGGAATCATCCGTCAGCGCA-3'

ClinVar aggregate classification (germline): Benign/Likely benign. Review status: criteria provided, multiple submitters, no conflicts (2 of 4 stars). 4 submissions from 4 submitters: Benign (1); Likely benign (3). Last evaluated 2026-02-03.

Conditions:
Oligodontia-cancer predisposition syndrome. Also called: TOOTH AGENESIS-COLORECTAL CANCER SYNDROME. Identifiers: Orphanet 300576, MedGen C1837750, MONDO:0012075, OMIM 608615. Disease mechanism: loss of function.

Allele frequency attached by ClinVar (database versions not stated): gnomAD exomes 0.00004 and 0.00010; ExAC 0.00007; gnomAD 0.00007; 1000 Genomes Project 30x 0.00016; TOPMed 0.00019; 1000 Genomes Project 0.00020.
gnomAD v4.1: 81 of 1,612,112 alleles (0.005%); highest among the groups gnomAD compares: Middle Eastern, 0.052%; no homozygotes.

Submissions (4):

Labcorp Genetics (formerly Invitae), Labcorp
Classification: Benign for Oligodontia-cancer predisposition syndrome. Last evaluated: 2026-02-03. Review status: criteria provided, single submitter. Criteria: Invitae Variant Classification Sherloc (09022015). Collection method: clinical testing. Allele origin: germline.

Center for Genomic Medicine, Rigshospitalet, Copenhagen University Hospital
Classification: Likely benign. Last evaluated: 2025-12-29. Review status: criteria provided, single submitter. Criteria: ACMG Guidelines, 2015. Collection method: clinical testing. Allele origin: germline.

Blueprint Genetics
Classification: Likely benign. Last evaluated: 2024-02-05. Review status: criteria provided, single submitter. Criteria: ACMG Guidelines, 2015. Collection method: clinical testing. Allele origin: germline.

GeneDx
Classification: Likely benign. Last evaluated: 2017-04-17. Review status: criteria provided, single submitter. Criteria: GeneDx Variant Classification (06012015). Collection method: clinical testing. Allele origin: germline. Affected: yes.
Comment: This variant is considered likely benign or benign based on one or more of the following criteria: it is a conservative change, it occurs at a poorly conserved position in the protein, it is predicted to be benign by multiple in silico algorithms, and/or has population frequency not consistent with disease.